The following is an entry in ClinVar:

NM_000218.3(KCNQ1):c.1514+22361G>A

Genes: KCNQ1 (potassium voltage-gated channel subfamily Q member 1; plus strand), KCNQ1OT1 (KCNQ1 opposite strand/antisense transcript 1; minus strand). Cytogenetic location: 11p15.5.
Variant type: single nucleotide variant.
Coding change: c.1514+22361G>A on transcript NM_000218.3 (MANE Select); 22361 bases into the intron after coding-DNA position 1514, G replaced by A.
Molecular consequence: intron variant. On other transcripts: non-coding transcript variant (1).
Genome position (GRCh38, 1-based): chr11:2,684,442, G>A. VCF-style: chr11-2684442-G-A. GRCh37 (hg19) VCF-style: chr11-2705672-G-A.
Other names: c.1244+22361G>A (NM_001406837.1); c.1418+22361G>A (NM_001406836.1); c.974+22361G>A (NM_001406838.1); c.1133+22361G>A (NM_181798.2).
Identifiers: ClinVar variation 2672450 (VCV002672450.23), dbSNP rs147173878, ClinGen allele CA216187383.
Genomic context (GRCh38, chr11:2,684,442, plus strand): 5'-CAGTGGGGTCCATCCCCCTGATTCCTCAGTGCCCCAGCACCACCTCTTTCATTTGAAAAC[G>A]TGTTCTTTTGGCAAAAAGACTATGCTCCAGAACTTTCTGGCTGAGTTCTCCTTCTATTCC-3'

ClinVar aggregate classification (germline): Benign (1 of 4 stars; one submission).

Allele frequency attached by ClinVar (database versions not stated): gnomAD exomes 0.00051; TOPMed 0.00397; 1000 Genomes Project 30x 0.00468; 1000 Genomes Project 0.00479.
gnomAD v4.1: 707 of 398,638 alleles (0.18%); highest among the groups gnomAD compares: African/African-American, 1.3%; 5 homozygotes.

Submission:

CeGaT Center for Human Genetics Tuebingen
Classification: Benign. Last evaluated: 2026-04-01. Review status: criteria provided, single submitter. Criteria: CeGaT Center For Human Genetics Tuebingen Variant Classification Criteria Version 2. Collection method: clinical testing. Allele origin: germline. Affected: yes. Observed: 4 variant alleles.
Comment: KCNQ1OT1: BS1, BS2